The following is an entry in ClinVar:

ClinVar aggregate classification (germline): Uncertain significance (1 of 4 stars; one submission).

gnomAD v4.1: 2 of 1,613,954 alleles (0.00012%); highest among the groups gnomAD compares: Non-Finnish European, 0.00017%; no homozygotes.

Submission:

Labcorp Genetics (formerly Invitae), Labcorp
Classification: Uncertain significance. Last evaluated: 2024-08-14. Review status: criteria provided, single submitter. Criteria: Invitae Variant Classification Sherloc (09022015). Collection method: clinical testing. Allele origin: germline.
Comment: This sequence change affects codon 840 of the CNNM2 mRNA. It is a 'silent' change, meaning that it does not change the encoded amino acid sequence of the CNNM2 protein. This variant is present in population databases (rs777899899, gnomAD 0.0009%). This variant has not been reported in the literature in individuals affected with CNNM2-related conditions. Algorithms developed to predict the effect of sequence changes on RNA splicing suggest that this variant may disrupt the consensus splice site. In summary, the available evidence is currently insufficient to determine the role of this variant in disease. Therefore, it has been classified as a Variant of Uncertain Significance.

NM_017649.5(CNNM2):c.2520G>A (p.Thr840=)

Gene: CNNM2 (cyclin and CBS domain divalent metal cation transport mediator 2; plus strand). Cytogenetic location: 10q24.32.
Variant type: single nucleotide variant.
Coding change: c.2520G>A on transcript NM_017649.5 (MANE Select); coding-DNA position 2520, G replaced by A.
Protein change: p.Thr840=; no amino-acid change (threonine 840 retained).
Molecular consequence: synonymous variant.
Genome position (GRCh38, 1-based): chr10:103,077,072, G>A. VCF-style: chr10-103077072-G-A. GRCh37 (hg19) VCF-style: chr10-104836829-G-A.
Other names: c.2454G>A, p.Thr818= (NM_199076.3).
Identifiers: ClinVar variation 3678292 (VCV003678292.2).
Genomic context (GRCh38, chr10:103,077,072, plus strand): 5'-GATGGACAAAACCCCCCAGTCTTCAGACAGTGAAAACACTAAAATCGAATTGACTCTTAC[G>A]GAGCTGCATGACGGGTTGCCAGACGAGACAGCCAACCTGCTCAACGAACAGAACTGTGTG-3'
Protein context (NP_060119.3, residues 830-850): SENTKIELTL[Thr840=]ELHDGLPDET